The following is an entry in ClinVar:

NM_001171.6(ABCC6):c.1810T>G (p.Phe604Val)

Gene: ABCC6 (ATP binding cassette subfamily C member 6; minus strand). Cytogenetic location: 16p13.11.
Variant type: single nucleotide variant.
Coding change: c.1810T>G on transcript NM_001171.6 (MANE Select); coding-DNA position 1810, T replaced by G.
Protein change: p.Phe604Val; replaces phenylalanine 604 with valine.
Molecular consequence: missense variant. On other transcripts: non-coding transcript variant (1).
Genome position (GRCh38, 1-based): chr16:16,187,181, A>C on the plus strand (T>G on the coding strand, the complement: ABCC6 is on the minus strand). VCF-style: chr16-16187181-A-C. GRCh37 (hg19) VCF-style: chr16-16281038-A-C.
Other names: c.1468T>G, p.Phe490Val (NM_001351800.1); short protein forms F490V, F604V.
Identifiers: ClinVar variation 1506811 (VCV001506811.5), dbSNP rs2152266400, ClinGen allele CA394889154.
Genomic context (GRCh38, chr16:16,187,181, plus strand): 5'-CACCGCTTCCAGAGGAACTTGAGTCTACGACACCAGGGTCAACTTCTTCCAGGCAGAGGA[A>C]GGTGACCAGACGGTCAAAGGACACCCGGGCCTAGGAAAACCGAAGCCGCAGGTCACCCAG-3'
Protein context (NP_001162.5, residues 594-614): ARVSFDRLVT[Phe604Val]LCLEEVDPGV

ClinVar aggregate classification (germline): Uncertain significance (1 of 4 stars; one submission).

Submission:

Labcorp Genetics (formerly Invitae), Labcorp
Classification: Uncertain significance. Last evaluated: 2024-10-24. Review status: criteria provided, single submitter. Criteria: Invitae Variant Classification Sherloc (09022015). Collection method: clinical testing. Allele origin: germline.
Comment: This sequence change replaces phenylalanine, which is neutral and non-polar, with valine, which is neutral and non-polar, at codon 604 of the ABCC6 protein (p.Phe604Val). This variant is not present in population databases (gnomAD no frequency). This missense change has been observed in individual(s) with pseudoxanthoma elasticum (internal data). ClinVar contains an entry for this variant (Variation ID: 1506811). Invitae Evidence Modeling of protein sequence and biophysical properties (such as structural, functional, and spatial information, amino acid conservation, physicochemical variation, residue mobility, and thermodynamic stability) indicates that this missense variant is expected to disrupt ABCC6 protein function with a positive predictive value of 80%. In summary, the available evidence is currently insufficient to determine the role of this variant in disease. Therefore, it has been classified as a Variant of Uncertain Significance.